The following is an entry in ClinVar:

ClinVar aggregate classification (germline): Benign/Likely benign. Review status: criteria provided, multiple submitters, no conflicts (2 of 4 stars). 4 submissions from 4 submitters: Benign (1); Likely benign (3). Last evaluated 2024-09-19.

Conditions:
Hereditary diffuse gastric adenocarcinoma (HDGC). Also called: DIFFUSE GASTRIC AND LOBULAR BREAST CANCER SYNDROME. Identifiers: Orphanet 26106, MedGen C1708349, MONDO:0007648, OMIM 137215.
Hereditary cancer-predisposing syndrome. Also called: Neoplastic Syndromes, Hereditary; Hereditary neoplastic syndrome; Tumor predisposition; Hereditary Cancer Syndrome. Identifiers: Orphanet 140162, MedGen C0027672, MeSH D009386, MONDO:0015356.

gnomAD v4.1: 2 of 1,614,196 alleles (0.00012%); highest among the groups gnomAD compares: Non-Finnish European, 0.00017%; no homozygotes.

Submissions (4):

Myriad Genetics, Inc.
Classification: Benign for Hereditary diffuse gastric adenocarcinoma. Last evaluated: 2024-09-19. Review status: criteria provided, single submitter. Criteria: Myriad Autosomal Dominant, Autosomal Recessive and X-Linked Classification Criteria (2023). Collection method: clinical testing. Allele origin: unknown.
Comment: This variant is considered benign. This variant is a silent/synonymous amino acid change and it is not expected to impact splicing.

Labcorp Genetics (formerly Invitae), Labcorp
Classification: Likely benign for Hereditary diffuse gastric adenocarcinoma. Last evaluated: 2022-09-03. Review status: criteria provided, single submitter. Criteria: Invitae Variant Classification Sherloc (09022015). Collection method: clinical testing. Allele origin: germline.

Sema4
Classification: Likely benign for Hereditary cancer-predisposing syndrome. Last evaluated: 2021-10-12. Review status: criteria provided, single submitter. Criteria: Sema4 Curation Guidelines. Collection method: curation. Allele origin: germline.

Ambry Genetics
Classification: Likely benign for Hereditary cancer-predisposing syndrome. Last evaluated: 2019-02-23. Review status: criteria provided, single submitter. Criteria: Ambry Variant Classification Scheme 2023. Collection method: clinical testing. Allele origin: germline.

NM_004360.5(CDH1):c.1572G>T (p.Arg524=)

Gene: CDH1 (cadherin 1; plus strand). Cytogenetic location: 16q22.1.
Variant type: single nucleotide variant.
Coding change: c.1572G>T on transcript NM_004360.5 (MANE Select); coding-DNA position 1572, G replaced by T.
Protein change: p.Arg524=; no amino-acid change (arginine 524 retained).
Molecular consequence: synonymous variant. On other transcripts: intron variant (1).
Genome position (GRCh38, 1-based): chr16:68,819,286, G>T. VCF-style: chr16-68819286-G-T. GRCh37 (hg19) VCF-style: chr16-68853189-G-T.
Other names: c.1389G>T, p.Arg463= (NM_001317184.2); c.24G>T, p.Arg8= (NM_001317185.2); c.-254-2715G>T (NM_001317186.2).
Identifiers: ClinVar variation 766228 (VCV000766228.16), dbSNP rs771419468, ClinGen allele CA496154298.